The following is an entry in ClinVar:

NM_052947.4(ALPK2):c.5804G>T (p.Arg1935Leu)

Gene: ALPK2 (alpha kinase 2; minus strand). Cytogenetic location: 18q21.31.
Variant type: single nucleotide variant.
Coding change: c.5804G>T on transcript NM_052947.4 (MANE Select); coding-DNA position 5804, G replaced by T.
Protein change: p.Arg1935Leu; replaces arginine 1935 with leucine.
Molecular consequence: missense variant.
Genome position (GRCh38, 1-based): chr18:58,517,044, C>A on the plus strand (G>T on the coding strand, the complement: ALPK2 is on the minus strand). VCF-style: chr18-58517044-C-A. GRCh37 (hg19) VCF-style: chr18-56184276-C-A.
Other names: short protein forms R1935L.
Identifiers: ClinVar variation 3228818 (VCV003228818.1), dbSNP rs753524863, ClinGen allele CA402548750.

ClinVar aggregate classification (germline): Uncertain significance (1 of 4 stars; one submission).

gnomAD v4.1: 3 of 1,614,240 alleles (0.00019%); highest among the groups gnomAD compares: Non-Finnish European, 0.00025%; no homozygotes.

Submission:

Ambry Genetics
Classification: Uncertain significance. Last evaluated: 2023-01-23. Review status: criteria provided, single submitter. Criteria: Ambry Variant Classification Scheme 2023. Collection method: clinical testing. Allele origin: germline.
Comment: The p.R1935L variant (also known as c.5804G>T), located in coding exon 8 of the ALPK2 gene, results from a G to T substitution at nucleotide position 5804. The arginine at codon 1935 is replaced by leucine, an amino acid with dissimilar properties. This amino acid position is conserved. In addition, the in silico prediction for this alteration is inconclusive. Since supporting evidence is limited at this time, the clinical significance of this alteration remains unclear.